The following is an entry in ClinVar:

ClinVar aggregate classification (germline): Uncertain significance (1 of 4 stars; one submission).

Conditions:
Wilms tumor 1 (WT1). Also called: Wilms tumor, somatic. Identifiers: Orphanet 654, MedGen CN033288, MONDO:0008679, OMIM 194070.

Submission:

Labcorp Genetics (formerly Invitae), Labcorp
Classification: Uncertain significance for Wilms tumor 1. Last evaluated: 2022-07-20. Review status: criteria provided, single submitter. Criteria: Invitae Variant Classification Sherloc (09022015). Collection method: clinical testing. Allele origin: germline.
Comment: This variant is not present in population databases (gnomAD no frequency). This sequence change replaces proline, which is neutral and non-polar, with serine, which is neutral and polar, at codon 30 of the GPC3 protein (p.Pro30Ser). This variant has not been reported in the literature in individuals affected with GPC3-related conditions. Algorithms developed to predict the effect of missense changes on protein structure and function (SIFT, PolyPhen-2, Align-GVGD) all suggest that this variant is likely to be tolerated. In summary, the available evidence is currently insufficient to determine the role of this variant in disease. Therefore, it has been classified as a Variant of Uncertain Significance.

NM_004484.4(GPC3):c.88C>T (p.Pro30Ser)

Gene: GPC3 (glypican 3; minus strand). Cytogenetic location: Xq26.2.
Variant type: single nucleotide variant.
Coding change: c.88C>T on transcript NM_004484.4 (MANE Select); coding-DNA position 88, C replaced by T.
Protein change: p.Pro30Ser; replaces proline 30 with serine.
Molecular consequence: missense variant.
Genome position (GRCh38, 1-based): chrX:133,985,362, G>A on the plus strand (C>T on the coding strand, the complement: GPC3 is on the minus strand). VCF-style: chrX-133985362-G-A. GRCh37 (hg19) VCF-style: chrX-133119389-G-A.
Other names: c.88C>T, p.Pro30Ser (NM_001164617.2, NM_001164618.2, NM_001164619.2); short protein forms P30S.
Identifiers: ClinVar variation 2002150 (VCV002002150.4), dbSNP rs752743293, ClinGen allele CA414707065.